The following is an entry in ClinVar:

NM_198904.4(GABRG2):c.302T>C (p.Ile101Thr)

Gene: GABRG2 (gamma-aminobutyric acid type A receptor subunit gamma2; plus strand). Cytogenetic location: 5q34.
Variant type: single nucleotide variant.
Coding change: c.302T>C on transcript NM_198904.4 (MANE Select); coding-DNA position 302, T replaced by C.
Protein change: p.Ile101Thr; replaces isoleucine 101 with threonine.
Molecular consequence: missense variant. On other transcripts: 5 prime UTR variant (2).
Genome position (GRCh38, 1-based): chr5:162,095,537, T>C. VCF-style: chr5-162095537-T-C. GRCh37 (hg19) VCF-style: chr5-161522543-T-C.
Other names: c.302T>C, p.Ile101Thr (NM_000816.3, NM_001375340.1, NM_001375341.1 and 4 more transcripts); c.293T>C, p.Ile98Thr (NM_001375339.1); c.236T>C, p.Ile79Thr (NM_001375345.1, NM_001375346.1); c.215T>C, p.Ile72Thr (NM_001375347.1); c.-57T>C (NM_001375348.1, NM_001375350.1); c.17T>C, p.Ile6Thr (NM_001375349.1); short protein forms I101T, I6T, I79T, I72T, I98T.
Identifiers: ClinVar variation 2941681 (VCV002941681.3), dbSNP rs2532559809, ClinGen allele CA362183430.

ClinVar aggregate classification (germline): Uncertain significance (1 of 4 stars; one submission).

Conditions:
EPILEPSY, CHILDHOOD ABSENCE, SUSCEPTIBILITY TO, 2 (ECA2). Identifiers: Orphanet 64280, MedGen C1843244, OMIM 607681.
Febrile seizures, familial, 8 (FEB8). Also called: CONVULSIONS, FAMILIAL FEBRILE, 8. Identifiers: Orphanet 36387, MedGen C1969810, MONDO:0011891, OMIM 607681.

Submission:

Labcorp Genetics (formerly Invitae), Labcorp
Classification: Uncertain significance for Febrile seizures, familial, 8; EPILEPSY, CHILDHOOD ABSENCE, SUSCEPTIBILITY TO, 2. Last evaluated: 2022-11-20. Review status: criteria provided, single submitter. Criteria: Invitae Variant Classification Sherloc (09022015). Collection method: clinical testing. Allele origin: germline.
Comment: Advanced modeling of protein sequence and biophysical properties (such as structural, functional, and spatial information, amino acid conservation, physicochemical variation, residue mobility, and thermodynamic stability) performed at Invitae indicates that this missense variant is expected to disrupt GABRG2 protein function. In summary, the available evidence is currently insufficient to determine the role of this variant in disease. Therefore, it has been classified as a Variant of Uncertain Significance. This variant has not been reported in the literature in individuals affected with GABRG2-related conditions. This variant is not present in population databases (gnomAD no frequency). This sequence change replaces isoleucine, which is neutral and non-polar, with threonine, which is neutral and polar, at codon 101 of the GABRG2 protein (p.Ile101Thr).